The following is an entry in ClinVar:

ClinVar aggregate classification (germline): Uncertain significance (1 of 4 stars; one submission).

Allele frequency attached by ClinVar (database versions not stated): gnomAD exomes below 0.00001.
gnomAD v4.1: 4 of 1,610,378 alleles (0.00025%); highest among the groups gnomAD compares: Non-Finnish European, 0.00034%; no homozygotes.

Submission:

GeneDx
Classification: Uncertain significance. Last evaluated: 2023-01-03. Review status: criteria provided, single submitter. Criteria: GeneDx Variant Classification Process June 2021. Collection method: clinical testing. Allele origin: germline. Affected: yes.
Comment: Not observed at significant frequency in large population cohorts (gnomAD); In silico analysis supports that this missense variant has a deleterious effect on protein structure/function; Has not been previously published as pathogenic or benign to our knowledge

NM_001374353.1(GLI2):c.836G>T (p.Gly279Val)

Gene: GLI2 (GLI family zinc finger 2; plus strand). Cytogenetic location: 2q14.2.
Variant type: single nucleotide variant.
Coding change: c.836G>T on transcript NM_001374353.1 (MANE Select); coding-DNA position 836, G replaced by T.
Protein change: p.Gly279Val; replaces glycine 279 with valine.
Molecular consequence: missense variant.
Genome position (GRCh38, 1-based): chr2:120,968,906, G>T. VCF-style: chr2-120968906-G-T. GRCh37 (hg19) VCF-style: chr2-121726482-G-T.
Other names: c.836G>T, p.Gly279Val (NM_001371271.1, NM_005270.5); c.461G>T, p.Gly154Val (NM_001374354.1); short protein forms G154V, G279V.
Identifiers: ClinVar variation 2571758 (VCV002571758.1), dbSNP rs2467686994, ClinGen allele CA348166739.